The following is an entry in ClinVar:

NM_020665.6(CLTRN):c.607A>C (p.Met203Leu)

Gene: CLTRN (collectrin, amino acid transport regulator; minus strand). Cytogenetic location: Xp22.2.
Variant type: single nucleotide variant.
Coding change: c.607A>C on transcript NM_020665.6 (MANE Select); coding-DNA position 607, A replaced by C.
Protein change: p.Met203Leu; replaces methionine 203 with leucine.
Molecular consequence: missense variant.
Genome position (GRCh38, 1-based): chrX:15,628,033, T>G on the plus strand (A>C on the coding strand, the complement: CLTRN is on the minus strand). VCF-style: chrX-15628033-T-G. GRCh37 (hg19) VCF-style: chrX-15646156-T-G.
Other names: short protein forms M203L.
Identifiers: ClinVar variation 2480971 (VCV002480971.3), dbSNP rs374523972, ClinGen allele CA10355581.

ClinVar aggregate classification (germline): Uncertain significance (1 of 4 stars; one submission).

Allele frequency attached by ClinVar (database versions not stated): gnomAD exomes 0.00002; ESP Exome Variant Server 0.00009; gnomAD 0.00003; TOPMed 0.00003; ExAC 0.00006.
gnomAD v4.1: 26 of 1,142,975 alleles (0.0023%); highest among the groups gnomAD compares: Non-Finnish European, 0.0026%; no homozygotes.

Submission:

Ambry Genetics
Classification: Uncertain significance. Last evaluated: 2025-12-08. Review status: criteria provided, single submitter. Criteria: Ambry Variant Classification Scheme 2023. Collection method: clinical testing. Allele origin: germline.
Comment: The c.607A>C (p.M203L) alteration is located in exon 6 (coding exon 6) of the TMEM27 gene. This alteration results from a A to C substitution at nucleotide position 607, causing the methionine (M) at amino acid position 203 to be replaced by a leucine (L). Based on data from gnomAD, the C allele has an overall frequency of 0.004% (6/149671) total alleles studied. The highest observed frequency was 0.009% (1/10830) of African alleles. Based on insufficient or conflicting evidence, the clinical significance of this alteration remains unclear.